The following is an entry in ClinVar:

NM_000199.5(SGSH):c.950-131C>T

Gene: SGSH (N-sulfoglucosamine sulfohydrolase; minus strand). Cytogenetic location: 17q25.3.
Variant type: single nucleotide variant.
Coding change: c.950-131C>T on transcript NM_000199.5 (MANE Select); 131 bases into the intron before coding-DNA position 950, C replaced by T.
Molecular consequence: intron variant. On other transcripts: missense variant (1).
Genome position (GRCh38, 1-based): chr17:80,211,142, G>A on the plus strand (C>T on the coding strand, the complement: SGSH is on the minus strand). VCF-style: chr17-80211142-G-A. GRCh37 (hg19) VCF-style: chr17-78184941-G-A.
Other names: c.995C>T (NM_001352921.1); c.995C>T, p.Ser332Leu (NM_001352921.3); c.1005-131C>T (NM_001352922.2); short protein forms S332L.
Identifiers: ClinVar variation 3603296 (VCV003603296.2).

ClinVar aggregate classification (germline): Uncertain significance. Review status: criteria provided, multiple submitters, no conflicts (2 of 4 stars). 2 submissions from 2 submitters: Uncertain significance (2). Last evaluated 2026-03-24.

Conditions:
SGSH-related disorder. Also called: SGSH-related condition.
Mucopolysaccharidosis, MPS-III-A (MPS3A). Also called: Mucopolysaccharidosis type IIIA (Sanfilippo A); HEPARAN SULFATE SULFATASE DEFICIENCY; SANFILIPPO SYNDROME A; SULFAMIDASE DEFICIENCY; MPS III A; Mucopolysaccharidosis, type IIIA. Identifiers: Orphanet 581, Orphanet 79269, MedGen C0086647, MONDO:0009655, OMIM 252900.

gnomAD v4.1: 87 of 1,524,760 alleles (0.0057%); highest among the groups gnomAD compares: South Asian, 0.088%; no homozygotes.

Submissions (2):

PreventionGenetics, part of Exact Sciences
Classification: Uncertain significance for SGSH-related condition. Last evaluated: 2026-03-24. Review status: criteria provided, single submitter. Criteria: ACMG Guidelines, 2015. Collection method: clinical testing. Allele origin: germline.
Comment: The SGSH c.995C>T variant is predicted to result in the amino acid substitution p.Ser332Leu. This variant is intronic in an alternative transcript (NM_000199:c.950-131C>T). To our knowledge, this variant has not been reported in the literature or in a large population database (gnomAD), indicating this variant is rare. At this time, the clinical significance of this variant is uncertain due to the absence of conclusive functional and genetic evidence.

Neuberg Centre For Genomic Medicine, NCGM
Classification: Uncertain significance for Mucopolysaccharidosis, MPS-III-A. Review status: criteria provided, single submitter. Criteria: ACMG Guidelines, 2015. Collection method: clinical testing. Allele origin: germline. Inheritance: Autosomal recessive inheritance. Affected: yes.
Comment: The c.995C>T (p.Ser332Leu) missense variant in SGSH gene has not been reported previously as a pathogenic variant nor as a benign variant, to our knowledge. The p.Ser332Leu variant is absent in gnomAD Exomes. This variant has not been submitted to the ClinVar database. The amino acid Ser at position 332 is changed to a Leu changing protein sequence and it might alter its composition and physico-chemical properties. For these reasons, this variant has been classified as Variant of Uncertain Significance (VUS).